The following is an entry in ClinVar:

ClinVar aggregate classification (germline): Pathogenic/Likely pathogenic. Review status: criteria provided, multiple submitters, no conflicts (2 of 4 stars). 2 submissions from 2 submitters: Pathogenic (1); Likely pathogenic (1). Last evaluated 2024-10-13.

Conditions:
Arrhythmogenic cardiomyopathy with wooly hair and keratoderma. Also called: PALMOPLANTAR KERATODERMA WITH LEFT VENTRICULAR CARDIOMYOPATHY AND WOOLLY HAIR; Carvajal syndrome; Arrhythmogenic cardiomyopathy with woolly hair and keratoderma; Dilated cardiomyopathy with woolly hair and keratoderma. Identifiers: Orphanet 65282, MedGen C1854063, MONDO:0011581, OMIM 605676.
Arrhythmogenic right ventricular dysplasia 8 (ARVD8). Also called: Arrhythmogenic Right Ventricular Dysplasia/Cardiomyopathy 8; ARRHYTHMOGENIC RIGHT VENTRICULAR CARDIOMYOPATHY 8; ARRHYTHMOGENIC RIGHT VENTRICULAR DYSPLASIA, FAMILIAL, 8. Identifiers: MedGen C1843896, MONDO:0011831, OMIM 607450.

Submissions (2):

Labcorp Genetics (formerly Invitae), Labcorp
Classification: Pathogenic for Arrhythmogenic cardiomyopathy with wooly hair and keratoderma; Arrhythmogenic right ventricular dysplasia 8. Last evaluated: 2024-10-13. Review status: criteria provided, single submitter. Criteria: Invitae Variant Classification Sherloc (09022015). Collection method: clinical testing. Allele origin: germline.
Comment: This sequence change creates a premature translational stop signal (p.Cys2656Trpfs*24) in the DSP gene. While this is not anticipated to result in nonsense mediated decay, it is expected to disrupt the last 216 amino acid(s) of the DSP protein. This variant is not present in population databases (gnomAD no frequency). This variant has not been reported in the literature in individuals affected with DSP-related conditions. ClinVar contains an entry for this variant (Variation ID: 2024276). This variant disrupts a region of the DSP protein in which other variant(s) (p.Glu2728Glyfs*11) have been determined to be pathogenic (PMID: 21859740, 28527814; internal data). This suggests that this is a clinically significant region of the protein, and that variants that disrupt it are likely to be disease-causing. For these reasons, this variant has been classified as Pathogenic.

Molecular Genetics, Royal Melbourne Hospital
Classification: Likely pathogenic for Arrhythmogenic cardiomyopathy with wooly hair and keratoderma. Last evaluated: 2024-01-05. Review status: criteria provided, single submitter. Criteria: ACMG Guidelines, 2015. Collection method: clinical testing. Allele origin: germline. Inheritance: Autosomal dominant inheritance. Affected: yes.
Comment: This sequence change in DSP is a frameshift variant that may cause a premature stop codon, p.(Cys2656Trpfs*24), that is predicted to escape nonsense-mediated decay and remove <10% of the protein, however it is a truncation of a functionally important region (removes amino acids 2487-2679) in a gene where loss-of-function is an established disease mechanism (PMID: 12101406). The highest population minor allele frequency in the population database gnomAD v3.1 is 0.0065% (1/15,280 alleles) in the Admixed American population. Based on the classification scheme RMH Modified ACMG/AMP Guidelines v1.6.1, this variant is classified as LIKELY PATHOGENIC. Following criteria are met: PVS1_Strong, PM2_Supporting, PS4_Supporting.

Literature cited by the submitters: PubMed 21859740 (cited by Labcorp Genetics (formerly Invitae), Labcorp); PubMed 28527814 (cited by Labcorp Genetics (formerly Invitae), Labcorp); PubMed 12101406 (cited by Molecular Genetics, Royal Melbourne Hospital).

NM_004415.4(DSP):c.7968_7972del (p.Cys2656fs)

Gene: DSP (desmoplakin; plus strand). Cytogenetic location: 6p24.3.
Variant type: Deletion.
Coding change: c.7968_7972del on transcript NM_004415.4 (MANE Select); coding-DNA positions 7968 to 7972, 5 bases deleted (CACAG; older notation c.7968_7972delCACAG).
Protein change: p.Cys2656fs; shifts the reading frame from cysteine 2656.
Molecular consequence: frameshift variant.
Genome position (GRCh38, 1-based): chr6:7,585,230-7,585,234, CACAG deleted; deleting any 5 consecutive bases within chr6:7,585,229-7,585,234 gives the same sequence; the c. name uses the placement nearest the transcript's 3' end. VCF-style (leftmost placement, unchanged base first): chr6-7585228-TGCACA-T. GRCh37 (hg19) VCF-style: chr6-7585461-TGCACA-T.
Other names: c.6171_6175del, p.Cys2057fs (NM_001008844.3); c.6639_6643del, p.Cys2213fs (NM_001319034.2); c.7968_7972delCACAG (NM_004415.4); short protein forms C2213fs, C2656fs, C2057fs.
Identifiers: ClinVar variation 2024276 (VCV002024276.5), dbSNP rs1759610067, ClinGen allele CA1085706942.